The following is an entry in ClinVar:

ClinVar aggregate classification (germline): Uncertain significance (1 of 4 stars; one submission).

Allele frequency attached by ClinVar (database versions not stated): gnomAD 0.00001; gnomAD exomes 0.00006 and 0.00013; TOPMed 0.00006; ExAC 0.00008.
gnomAD v4.1: 35 of 1,608,044 alleles (0.0022%); highest among the groups gnomAD compares: Admixed American, 0.056%; no homozygotes.

Submission:

Labcorp Genetics (formerly Invitae), Labcorp
Classification: Uncertain significance. Last evaluated: 2023-12-11. Review status: criteria provided, single submitter. Criteria: Invitae Variant Classification Sherloc (09022015). Collection method: clinical testing. Allele origin: germline.
Comment: This sequence change replaces glutamic acid, which is acidic and polar, with lysine, which is basic and polar, at codon 581 of the LETM1 protein (p.Glu581Lys). This variant is present in population databases (rs757794150, gnomAD 0.08%). This variant has not been reported in the literature in individuals affected with LETM1-related conditions. ClinVar contains an entry for this variant (Variation ID: 1511738). An algorithm developed to predict the effect of missense changes on protein structure and function (PolyPhen-2) suggests that this variant is likely to be disruptive. In summary, the available evidence is currently insufficient to determine the role of this variant in disease. Therefore, it has been classified as a Variant of Uncertain Significance.

NM_012318.3(LETM1):c.1741G>A (p.Glu581Lys)

Gene: LETM1 (leucine zipper and EF-hand containing transmembrane protein 1; minus strand). Cytogenetic location: 4p16.3.
Variant type: single nucleotide variant.
Coding change: c.1741G>A on transcript NM_012318.3 (MANE Select); coding-DNA position 1741, G replaced by A.
Protein change: p.Glu581Lys; replaces glutamic acid 581 with lysine.
Molecular consequence: missense variant.
Genome position (GRCh38, 1-based): chr4:1,819,340, C>T on the plus strand (G>A on the coding strand, the complement: LETM1 is on the minus strand). VCF-style: chr4-1819340-C-T. GRCh37 (hg19) VCF-style: chr4-1821067-C-T.
Other names: short protein forms E581K.
Identifiers: ClinVar variation 1511738 (VCV001511738.4), dbSNP rs757794150, ClinGen allele CA2811181.